The following is an entry in ClinVar:

NM_003098.3(SNTA1):c.23C>T (p.Pro8Leu)

Genes: SNTA1 (syntrophin alpha 1; minus strand), LOC130065680 (ATAC-STARR-seq lymphoblastoid silent region 12812; plus strand). Cytogenetic location: 20q11.21.
Variant type: single nucleotide variant.
Coding change: c.23C>T on transcript NM_003098.3 (MANE Select); coding-DNA position 23, C replaced by T.
Protein change: p.Pro8Leu; replaces proline 8 with leucine.
Molecular consequence: missense variant.
Genome position (GRCh38, 1-based): chr20:33,443,598, G>A on the plus strand (C>T on the coding strand, the complement: SNTA1 is on the minus strand). VCF-style: chr20-33443598-G-A. GRCh37 (hg19) VCF-style: chr20-32031404-G-A.
Other names: short protein forms P8L.
Identifiers: ClinVar variation 449133 (VCV000449133.22), dbSNP rs1216164802, ClinGen allele CA408634808.

ClinVar aggregate classification (germline): Uncertain significance. Review status: criteria provided, multiple submitters, no conflicts (2 of 4 stars). 4 submissions from 4 submitters: Uncertain significance (4). Last evaluated 2025-09-22.

Conditions:
Long QT syndrome (LQTS). Identifiers: MedGen C0023976, MeSH D008133, MONDO:0002442. Disease mechanism: loss of function. Inheritance: Various modes of inheritance.
Cardiovascular phenotype. Identifiers: MedGen CN230736.

Allele frequency attached by ClinVar (database versions not stated): gnomAD 0.00001.
gnomAD v4.1: 6 of 1,237,590 alleles (0.00048%); highest among the groups gnomAD compares: African/African-American, 0.0048%; no homozygotes.

Submissions (4):

Ambry Genetics
Classification: Uncertain significance for Cardiovascular phenotype. Last evaluated: 2025-09-22. Review status: criteria provided, single submitter. Criteria: Ambry Variant Classification Scheme 2023. Collection method: clinical testing. Allele origin: germline.

Labcorp Genetics (formerly Invitae), Labcorp
Classification: Uncertain significance for Long QT syndrome. Last evaluated: 2024-02-17. Review status: criteria provided, single submitter. Criteria: Invitae Variant Classification Sherloc (09022015). Collection method: clinical testing. Allele origin: germline.
Comment: This sequence change replaces proline, which is neutral and non-polar, with leucine, which is neutral and non-polar, at codon 8 of the SNTA1 protein (p.Pro8Leu). This variant is not present in population databases (gnomAD no frequency). This variant has not been reported in the literature in individuals affected with SNTA1-related conditions. ClinVar contains an entry for this variant (Variation ID: 449133). An algorithm developed to predict the effect of missense changes on protein structure and function (PolyPhen-2) suggests that this variant is likely to be disruptive. In summary, the available evidence is currently insufficient to determine the role of this variant in disease. Therefore, it has been classified as a Variant of Uncertain Significance.

GeneDx
Classification: Uncertain significance. Last evaluated: 2017-09-13. Review status: criteria provided, single submitter. Criteria: GeneDx Variant Classification (06012015). Collection method: clinical testing. Allele origin: germline. Affected: yes.
Comment: A variant of uncertain significance has been identified in the SNTA1 gene. The P8L variant has not been published as pathogenic or been reported as benign to our knowledge. The P8L variant is a semi-conservative amino acid substitution, which may impact secondary protein structure as these residues differ in some properties. Additionally, this substitution occurs at a position that is conserved in mammals. Nevertheless, in silico analysis is inconsistent in its predictions as to whether or not the variant is damaging to the protein structure/function. Finally, data from control individuals was not sufficient to assess whether P8L may be a common benign variant in the general population.

ARUP Laboratories, Molecular Genetics and Genomics, ARUP Laboratories
Classification: Uncertain significance. Last evaluated: 2017-08-07. Review status: criteria provided, single submitter. Criteria: ARUP Molecular Germline Variant Investigation Process. Collection method: clinical testing. Allele origin: germline.
Comment: The c.23C>T; p.Pro8Leu variant has not been reported in the medical literature, gene specific variation databases, nor has it been previously identified by our laboratory. It is absent from general population databases such as 1000 Genomes, NHLBI GO Exome Sequencing Project (ESP), and the Genome Aggregation Database (gnomAD). The proline at position 8 is moderately conserved considering 11 species (Alamut v2.9.0) and computational analyses of the effects of the p.Pro8Leu variant on protein structure and function provide conflicting results (SIFT: tolerated, MutationTaster: disease causing, PolyPhen-2: benign). Altogether, there is not enough evidence to classify the p.Pro8Leu variant with certainty.